The following is an entry in ClinVar:

NM_001130438.3(SPTAN1):c.3706C>T (p.Gln1236Ter)

Gene: SPTAN1 (spectrin alpha, non-erythrocytic 1; plus strand). Cytogenetic location: 9q34.11.
Variant type: single nucleotide variant.
Coding change: c.3706C>T on transcript NM_001130438.3 (MANE Select); coding-DNA position 3706, C replaced by T.
Protein change: p.Gln1236Ter; replaces glutamine 1236 with a stop codon.
Molecular consequence: nonsense.
Genome position (GRCh38, 1-based): chr9:128,604,404, C>T. VCF-style: chr9-128604404-C-T. GRCh37 (hg19) VCF-style: chr9-131366683-C-T.
Other names: c.3646C>T, p.Gln1216Ter (NM_001195532.2, NM_001363765.2, NM_001375314.2); c.3706C>T, p.Gln1236Ter (NM_001363759.2, NM_001375310.1, NM_001375311.2 and 2 more transcripts); c.3742C>T, p.Gln1248Ter (NM_001375312.2, NM_001375318.1); short protein forms Q1216*, Q1236*, Q1248*.
Identifiers: ClinVar variation 3385399 (VCV003385399.2).
Genomic context (GRCh38, chr9:128,604,404, plus strand): 5'-CGGTCCCTACAGCAGCTGGCCGAGGAACGGAGCCAGCTCTTGGGCAGCGCCCATGAAGTA[C>T]AGAGGTTCCACAGGTGAGGGGTCAGCCCTGGGCTGGGAGAGGGAGAAACAGGTGACTGCT-3'

ClinVar aggregate classification (germline): Pathogenic (1 of 4 stars; one submission).

Conditions:
Neuronopathy, distal hereditary motor, autosomal dominant 11. Also called: NEUROPATHY, DISTAL HEREDITARY MOTOR, 11. Identifiers: MedGen C5882697, MONDO:0957875, OMIM 620528.

Submission:

Institute of Human Genetics, University of Leipzig Medical Center
Classification: Pathogenic for Neuronopathy, distal hereditary motor, autosomal dominant 11. Last evaluated: 2024-11-14. Review status: criteria provided, single submitter. Criteria: ACMG Guidelines, 2015. Collection method: clinical testing. Allele origin: unknown. Inheritance: Autosomal dominant inheritance. Affected: yes.
Comment: Criteria applied: PVS1,PM2